The following is an entry in ClinVar:

NM_194255.4(SLC19A1):c.498C>T (p.Thr166=)

Gene: SLC19A1 (solute carrier family 19 member 1; minus strand). Cytogenetic location: 21q22.3.
Variant type: single nucleotide variant.
Coding change: c.498C>T on transcript NM_194255.4 (MANE Select); coding-DNA position 498, C replaced by T.
Protein change: p.Thr166=; no amino-acid change (threonine 166 retained).
Molecular consequence: synonymous variant.
Genome position (GRCh38, 1-based): chr21:45,531,840, G>A on the plus strand (C>T on the coding strand, the complement: SLC19A1 is on the minus strand). VCF-style: chr21-45531840-G-A. GRCh37 (hg19) VCF-style: chr21-46951754-G-A.
Other names: c.498C>T, p.Thr166= (NM_001205206.4, NM_001352511.3, NM_001352512.2); c.378C>T, p.Thr126= (NM_001205207.3); c.144C>T, p.Thr48= (NM_001352510.2).
Identifiers: ClinVar variation 3048792 (VCV003048792.4), dbSNP rs148243729, ClinGen allele CA10068597.

ClinVar aggregate classification (germline): Likely benign. Review status: criteria provided, single submitter (1 of 4 stars). 2 submissions from 2 submitters: Likely benign (1). 1 of the submissions does not count toward it. Last evaluated 2024-05-25.

Conditions:
SLC19A1-related disorder. Also called: SLC19A1-related condition.

Allele frequency attached by ClinVar (database versions not stated): TOPMed 0.00003; ESP Exome Variant Server 0.00008; gnomAD 0.00009; gnomAD exomes 0.00011; 1000 Genomes Project 30x 0.00031; 1000 Genomes Project 0.00040; ExAC 0.00050.
gnomAD v4.1: 179 of 1,586,948 alleles (0.011%); highest among the groups gnomAD compares: South Asian, 0.18%; 2 homozygotes.

Submissions (2):

Labcorp Genetics (formerly Invitae), Labcorp
Classification: Likely benign. Last evaluated: 2024-05-25. Review status: criteria provided, single submitter. Criteria: Invitae Variant Classification Sherloc (09022015). Collection method: clinical testing. Allele origin: germline.

PreventionGenetics, part of Exact Sciences
Classification: Likely benign for SLC19A1-related condition. Last evaluated: 2019-12-09. Review status: no assertion criteria provided. Collection method: clinical testing. Allele origin: germline. Not counted in ClinVar's aggregate classification.
Comment: This variant is classified as likely benign based on ACMG/AMP sequence variant interpretation guidelines (Richards et al. 2015 PMID: 25741868, with internal and published modifications).